The following is an entry in ClinVar:

NM_000211.5(ITGB2):c.279G>T (p.Gly93=)

Gene: ITGB2 (integrin subunit beta 2; minus strand). Cytogenetic location: 21q22.3.
Variant type: single nucleotide variant.
Coding change: c.279G>T on transcript NM_000211.5 (MANE Select); coding-DNA position 279, G replaced by T.
Protein change: p.Gly93=; no amino-acid change (glycine 93 retained).
Molecular consequence: synonymous variant.
Genome position (GRCh38, 1-based): chr21:44,906,964, C>A on the plus strand (G>T on the coding strand, the complement: ITGB2 is on the minus strand). VCF-style: chr21-44906964-C-A. GRCh37 (hg19) VCF-style: chr21-46326879-C-A.
Other names: c.279G>T, p.Gly93= (NM_001127491.3); c.72G>T, p.Gly24= (NM_001303238.2).
Identifiers: ClinVar variation 3054479 (VCV003054479.2), dbSNP rs767309369, ClinGen allele CA10063273.

ClinVar aggregate classification (germline): Likely benign (0 of 4 stars; one submission).

Conditions:
ITGB2-related disorder. Also called: ITGB2-related condition.

Allele frequency attached by ClinVar (database versions not stated): gnomAD exomes below 0.00001; ExAC 0.00001.
gnomAD v4.1: 1 of 1,614,178 alleles (0.000062%); highest among the groups gnomAD compares: Admixed American, 0.0017%; no homozygotes.

Submission:

PreventionGenetics, part of Exact Sciences
Classification: Likely benign for ITGB2-related condition. Last evaluated: 2023-01-27. Review status: no assertion criteria provided. Collection method: clinical testing. Allele origin: germline.
Comment: This variant is classified as likely benign based on ACMG/AMP sequence variant interpretation guidelines (Richards et al. 2015 PMID: 25741868, with internal and published modifications).